The following is an entry in ClinVar:

NM_001852.4(COL9A2):c.595G>A (p.Gly199Arg)

Gene: COL9A2 (collagen type IX alpha 2 chain; minus strand). Cytogenetic location: 1p34.2.
Variant type: single nucleotide variant.
Coding change: c.595G>A on transcript NM_001852.4 (MANE Select); coding-DNA position 595, G replaced by A.
Protein change: p.Gly199Arg; replaces glycine 199 with arginine.
Molecular consequence: missense variant.
Genome position (GRCh38, 1-based): chr1:40,311,128, C>T on the plus strand (G>A on the coding strand, the complement: COL9A2 is on the minus strand). VCF-style: chr1-40311128-C-T. GRCh37 (hg19) VCF-style: chr1-40776800-C-T.
Other names: short protein forms G199R.
Identifiers: ClinVar variation 1479854 (VCV001479854.6), dbSNP rs1557801781, ClinGen allele CA339855831.

ClinVar aggregate classification (germline): Uncertain significance (1 of 4 stars; one submission).

Allele frequency attached by ClinVar (database versions not stated): gnomAD exomes below 0.00001; TOPMed below 0.00001.
gnomAD v4.1: 7 of 1,614,204 alleles (0.00043%); highest among the groups gnomAD compares: African/African-American, 0.0013%; no homozygotes.

Submission:

Labcorp Genetics (formerly Invitae), Labcorp
Classification: Uncertain significance. Last evaluated: 2024-11-21. Review status: criteria provided, single submitter. Criteria: Invitae Variant Classification Sherloc (09022015). Collection method: clinical testing. Allele origin: germline.
Comment: This sequence change replaces glycine, which is neutral and non-polar, with arginine, which is basic and polar, at codon 199 of the COL9A2 protein (p.Gly199Arg). This variant is not present in population databases (gnomAD no frequency). This variant has not been reported in the literature in individuals affected with COL9A2-related conditions. ClinVar contains an entry for this variant (Variation ID: 1479854). Invitae Evidence Modeling of protein sequence and biophysical properties (such as structural, functional, and spatial information, amino acid conservation, physicochemical variation, residue mobility, and thermodynamic stability) indicates that this missense variant is expected to disrupt COL9A2 protein function with a positive predictive value of 95%. In summary, the available evidence is currently insufficient to determine the role of this variant in disease. Therefore, it has been classified as a Variant of Uncertain Significance.